The following is an entry in ClinVar:

NM_006567.5(FARS2):c.102G>A (p.Ser34=)

Genes: FARS2 (phenylalanyl-tRNA synthetase 2, mitochondrial; plus strand), LOC126859565 (CDK7 strongly-dependent group 2 enhancer GRCh37_chr6:5368745-5369944; plus strand). Cytogenetic location: 6p25.1.
Variant type: single nucleotide variant.
Coding change: c.102G>A on transcript NM_006567.5 (MANE Select); coding-DNA position 102, G replaced by A.
Protein change: p.Ser34=; no amino-acid change (serine 34 retained).
Molecular consequence: synonymous variant. On other transcripts: intron variant (2).
Genome position (GRCh38, 1-based): chr6:5,368,672, G>A. VCF-style: chr6-5368672-G-A. GRCh37 (hg19) VCF-style: chr6-5368905-G-A.
Other names: p.S34S:TCG>TCA; p.Ser34=; c.102G>A, p.Ser34= (NM_001318872.2, NM_001374875.1, NM_001374876.1 and 5 more transcripts); c.-340-27961G>A (NM_001375260.1); c.-84-35870G>A (NM_001375259.1).
Identifiers: ClinVar variation 137288 (VCV000137288.14), dbSNP rs113155624, ClinGen allele CA290837.

ClinVar aggregate classification (germline): Benign. Review status: criteria provided, multiple submitters, no conflicts (2 of 4 stars). 5 submissions from 5 submitters: Benign (5). Last evaluated 2026-02-03.

Conditions:
Combined oxidative phosphorylation defect type 14. Also called: Combined oxidative phosphorylation deficiency 14. Identifiers: Orphanet 319519, MedGen C4755312, MONDO:0013986, OMIM 614946.

Allele frequency attached by ClinVar (database versions not stated): ExAC 0.00763; 1000 Genomes Project 30x 0.01952; gnomAD exomes 0.00309 and 0.00679; 1000 Genomes Project 0.01897; gnomAD 0.00836 and 0.00921; ESP Exome Variant Server 0.00984; TOPMed 0.00975.
gnomAD v4.1: 6,002 of 1,614,138 alleles (0.37%); highest among the groups gnomAD compares: South Asian, 3.7%; 141 homozygotes.

Submissions (5):

Labcorp Genetics (formerly Invitae), Labcorp
Classification: Benign for Combined oxidative phosphorylation defect type 14. Last evaluated: 2026-02-03. Review status: criteria provided, single submitter. Criteria: Invitae Variant Classification Sherloc (09022015). Collection method: clinical testing. Allele origin: germline.

Mayo Clinic Laboratories, Mayo Clinic
Classification: Benign. Last evaluated: 2018-08-16. Review status: criteria provided, single submitter. Criteria: ACMG Guidelines, 2015. Collection method: clinical testing. Allele origin: germline. Observed: 20 variant alleles.

Wong Mito Lab, Molecular and Human Genetics, Baylor College of Medicine
Classification: Benign for Combined oxidative phosphorylation deficiency 14. Last evaluated: 2018-06-13. Review status: criteria provided, single submitter. Criteria: ACMG Guidelines, 2015. Collection method: clinical testing. Allele origin: germline.

GeneDx
Classification: Benign. Last evaluated: 2014-05-19. Review status: criteria provided, single submitter. Criteria: GeneDx Variant Classification (06012015). Collection method: clinical testing. Allele origin: germline. Affected: yes.
Comment: This variant is considered likely benign or benign based on one or more of the following criteria: it is a conservative change, it occurs at a poorly conserved position in the protein, it is predicted to be benign by multiple in silico algorithms, and/or has population frequency not consistent with disease.

PreventionGenetics, part of Exact Sciences
Classification: Benign. Review status: criteria provided, single submitter. Criteria: ACMG Guidelines, 2015. Collection method: clinical testing. Allele origin: germline.